The following is an entry in ClinVar:

ClinVar aggregate classification (germline): Pathogenic (1 of 4 stars; one submission).

Conditions:
Hereditary nonpolyposis colon cancer (HNPCC). Also called: Hereditary nonpolyposis colorectal cancer; Familial nonpolyposis colon cancer; Hereditary Nonpolyposis Colorectal Cancer Syndrome. Identifiers: Orphanet 443909, MedGen C1333990, MONDO:0018630. Disease mechanism: loss of function.

Submission:

Women's Health and Genetics/Laboratory Corporation of America, LabCorp
Classification: Pathogenic for Hereditary nonpolyposis colon cancer. Last evaluated: 2024-06-04. Review status: criteria provided, single submitter. Criteria: LabCorp Variant Classification Summary - May 2015. Collection method: clinical testing. Allele origin: germline.
Comment: Variant summary: The variant involves the deletion of exon 2 in the PMS2 gene. This Copy Number Variant (CNV) is expected to alter the reading frame and predicted to result in a truncation or absence of the encoded protein due to nonsense mediated decay (NMD). A presumed nomenclature of c.(23+1_24-1)_(163+1_164-1)del has been designated for the purposes of this classification. The variant was absent in 21694 control chromosomes (gnomAD, structural variants data set). c.(23+1_24-1)_(163+1_164-1)del has been reported in the literature in at-least one individual affected with colorectal carcinoma (example: Rosty_2016). The following publications have been ascertained in the context of this evaluation (PMID: 26895986, 18602922). ClinVar contains an entry for this variant (Variation ID: 583871). Based on the evidence outlined above, the variant was classified as pathogenic.

Literature cited by the submitters: PubMed 18602922; PubMed 26895986.

NC_000007.13:g.(6043690_6045522)_(6045663_6048627)del

Gene: PMS2 (PMS1 homolog 2, mismatch repair system component; minus strand). Cytogenetic location: 7p22.1.
Variant type: Deletion.
Identifiers: ClinVar variation 3339753 (VCV003339753.1).